The following is an entry in ClinVar:

NM_007055.4(POLR3A):c.503A>G (p.Lys168Arg)

Gene: POLR3A (RNA polymerase III subunit A; minus strand). Cytogenetic location: 10q22.3.
Variant type: single nucleotide variant.
Coding change: c.503A>G on transcript NM_007055.4 (MANE Select); coding-DNA position 503, A replaced by G.
Protein change: p.Lys168Arg; replaces lysine 168 with arginine.
Molecular consequence: missense variant.
Genome position (GRCh38, 1-based): chr10:78,024,691, T>C on the plus strand (A>G on the coding strand, the complement: POLR3A is on the minus strand). VCF-style: chr10-78024691-T-C. GRCh37 (hg19) VCF-style: chr10-79784449-T-C.
Other names: c.503A>G (NM_007055.3); short protein forms K168R.
Identifiers: ClinVar variation 2160023 (VCV002160023.4), dbSNP rs1847614889, ClinGen allele CA377346249.
Genomic context (GRCh38, chr10:78,024,691, plus strand): 5'-GGATCCACCACTTTTTTGTTGGTCTTGTATTTCTCATGAATTATTTTCAGCAGTCCACAC[T>C]TCTTTACGGTACCTATAAGGGTTAGTTTATTTACCAAGAAATAAAAAATTATGTTCTCAG-3'
Protein context (NP_008986.2, residues 158-178): HCGAFNGTVK[Lys168Arg]CGLLKIIHEK

ClinVar aggregate classification (germline): Uncertain significance. Review status: criteria provided, multiple submitters, no conflicts (2 of 4 stars). 2 submissions from 2 submitters: Uncertain significance (2). Last evaluated 2024-12-10.

Conditions:
Inborn genetic diseases. Identifiers: MedGen C0950123, MeSH D030342.

Allele frequency attached by ClinVar (database versions not stated): gnomAD exomes below 0.00001; TOPMed 0.00004.
gnomAD v4.1: 1 of 1,613,312 alleles (0.000062%); highest among the groups gnomAD compares: Admixed American, 0.0017%; no homozygotes.

Submissions (2):

Ambry Genetics
Classification: Uncertain significance for Inborn genetic diseases. Last evaluated: 2024-12-10. Review status: criteria provided, single submitter. Criteria: Ambry Variant Classification Scheme 2023. Collection method: clinical testing. Allele origin: germline.

Labcorp Genetics (formerly Invitae), Labcorp
Classification: Uncertain significance. Last evaluated: 2024-07-29. Review status: criteria provided, single submitter. Criteria: Invitae Variant Classification Sherloc (09022015). Collection method: clinical testing. Allele origin: germline.
Comment: This sequence change replaces lysine, which is basic and polar, with arginine, which is basic and polar, at codon 168 of the POLR3A protein (p.Lys168Arg). This variant is not present in population databases (gnomAD no frequency). This variant has not been reported in the literature in individuals affected with POLR3A-related conditions. ClinVar contains an entry for this variant (Variation ID: 2160023). Advanced modeling of protein sequence and biophysical properties (such as structural, functional, and spatial information, amino acid conservation, physicochemical variation, residue mobility, and thermodynamic stability) performed at Invitae indicates that this missense variant is not expected to disrupt POLR3A protein function with a negative predictive value of 80%. In summary, the available evidence is currently insufficient to determine the role of this variant in disease. Therefore, it has been classified as a Variant of Uncertain Significance.